The following is an entry in ClinVar:

ClinVar aggregate classification (germline): Uncertain significance (1 of 4 stars; one submission).

Submission:

GeneDx
Classification: Uncertain significance. Last evaluated: 2023-03-22. Review status: criteria provided, single submitter. Criteria: GeneDx Variant Classification Process June 2021. Collection method: clinical testing. Allele origin: germline. Affected: yes.
Comment: Not observed at significant frequency in large population cohorts (gnomAD); In silico analysis supports that this missense variant does not alter protein structure/function; Has not been previously published as pathogenic or benign to our knowledge

NM_170606.3(KMT2C):c.598T>C (p.Ser200Pro)

Gene: KMT2C (lysine methyltransferase 2C; minus strand). Cytogenetic location: 7q36.1.
Variant type: single nucleotide variant.
Coding change: c.598T>C on transcript NM_170606.3 (MANE Select); coding-DNA position 598, T replaced by C.
Protein change: p.Ser200Pro; replaces serine 200 with proline.
Molecular consequence: missense variant.
Genome position (GRCh38, 1-based): chr7:152,311,939, A>G on the plus strand (T>C on the coding strand, the complement: KMT2C is on the minus strand). VCF-style: chr7-152311939-A-G. GRCh37 (hg19) VCF-style: chr7-152009024-A-G.
Other names: short protein forms S200P.
Identifiers: ClinVar variation 2580498 (VCV002580498.1), dbSNP rs2096675440, ClinGen allele CA370196769.